The following is an entry in ClinVar:

ClinVar aggregate classification (germline): Benign/Likely benign. Review status: criteria provided, multiple submitters, no conflicts (2 of 4 stars). 4 submissions from 4 submitters: Benign (1); Likely benign (3). Last evaluated 2025-05-07.

Conditions:
Hereditary cancer-predisposing syndrome. Also called: Tumor predisposition; Neoplastic Syndromes, Hereditary; Hereditary neoplastic syndrome; Hereditary Cancer Syndrome. Identifiers: Orphanet 140162, MedGen C0027672, MeSH D009386, MONDO:0015356.
Tuberous sclerosis 2 (TSC2). Identifiers: Orphanet 805, MedGen C1860707, MONDO:0013199, OMIM 613254.
Tuberous sclerosis syndrome (TSC). Also called: Tuberous Sclerosis Complex; Tuberous sclerosis. Identifiers: Orphanet 805, MedGen C0041341, MONDO:0001734.

Submissions (4):

Myriad Genetics, Inc.
Classification: Benign for Tuberous sclerosis 2. Last evaluated: 2025-05-07. Review status: criteria provided, single submitter. Criteria: Myriad Autosomal Dominant, Autosomal Recessive and X-Linked Classification Criteria (2023). Collection method: clinical testing. Allele origin: unknown.
Comment: This variant is considered benign. This variant is a silent/synonymous amino acid change and it is not expected to impact splicing.

All of Us Research Program, National Institutes of Health
Classification: Likely benign for Tuberous sclerosis syndrome. Last evaluated: 2024-06-09. Review status: criteria provided, single submitter. Criteria: ACMG Guidelines, 2015. Collection method: clinical testing. Allele origin: germline. Inheritance: Autosomal dominant inheritance. Observed: 1 variant allele, 1 heterozygote.
Comment: This study involves interpretation of variants in research participants for the purpose of population health screening. Participant phenotype was not available at the time of variant classification. Additional details can be found in publication PMID: 35346344, PMCID: PMC8962531

Labcorp Genetics (formerly Invitae), Labcorp
Classification: Likely benign for Tuberous sclerosis 2. Last evaluated: 2023-06-29. Review status: criteria provided, single submitter. Criteria: Invitae Variant Classification Sherloc (09022015). Collection method: clinical testing. Allele origin: germline.

Ambry Genetics
Classification: Likely benign for Hereditary cancer-predisposing syndrome. Last evaluated: 2023-04-03. Review status: criteria provided, single submitter. Criteria: Ambry Variant Classification Scheme 2023. Collection method: clinical testing. Allele origin: germline.

NM_000548.5(TSC2):c.552C>G (p.Val184=)

Gene: TSC2 (TSC complex subunit 2; plus strand). Cytogenetic location: 16p13.3.
Variant type: single nucleotide variant.
Coding change: c.552C>G on transcript NM_000548.5 (MANE Select); coding-DNA position 552, C replaced by G.
Protein change: p.Val184=; no amino-acid change (valine 184 retained).
Molecular consequence: synonymous variant. On other transcripts: 5 prime UTR variant (13), non-coding transcript variant (5), intron variant (6).
Genome position (GRCh38, 1-based): chr16:2,055,472, C>G. VCF-style: chr16-2055472-C-G. GRCh37 (hg19) VCF-style: chr16-2105473-C-G.
Other names: c.552C>G, p.Val184= (NM_001077183.3, NM_001114382.3, NM_001363528.2 and 8 more transcripts); c.441C>G, p.Val147= (NM_001318827.2, NM_001406670.1, NM_001406678.1); c.405C>G, p.Val135= (NM_001318829.2, NM_001406675.1, NM_001406676.1 and 1 more transcripts); c.585C>G, p.Val195= (NM_001318832.2); c.642C>G, p.Val214= (NM_001406667.1, NM_001406668.1); c.495C>G, p.Val165= (NM_001406677.1); c.-265C>G (NM_001406680.1, NM_001406683.1, NM_001406687.1); c.90C>G, p.Val30= (NM_001406681.1); and 6 more.
Identifiers: ClinVar variation 1908685 (VCV001908685.9), dbSNP rs199991910, ClinGen allele CA492955825.